The following is an entry in ClinVar:

ClinVar aggregate classification (germline): Uncertain significance (1 of 4 stars; one submission).

Submission:

Labcorp Genetics (formerly Invitae), Labcorp
Classification: Uncertain significance. Last evaluated: 2023-12-11. Review status: criteria provided, single submitter. Criteria: Invitae Variant Classification Sherloc (09022015). Collection method: clinical testing. Allele origin: germline.
Comment: This sequence change replaces glutamic acid, which is acidic and polar, with lysine, which is basic and polar, at codon 250 of the IMPG1 protein (p.Glu250Lys). This variant is not present in population databases (gnomAD no frequency). This variant has not been reported in the literature in individuals affected with IMPG1-related conditions. ClinVar contains an entry for this variant (Variation ID: 1389694). An algorithm developed to predict the effect of missense changes on protein structure and function (PolyPhen-2) suggests that this variant is likely to be disruptive. In summary, the available evidence is currently insufficient to determine the role of this variant in disease. Therefore, it has been classified as a Variant of Uncertain Significance.

NM_001563.4(IMPG1):c.748G>A (p.Glu250Lys)

Gene: IMPG1 (interphotoreceptor matrix proteoglycan 1; minus strand). Cytogenetic location: 6q14.1.
Variant type: single nucleotide variant.
Coding change: c.748G>A on transcript NM_001563.4 (MANE Select); coding-DNA position 748, G replaced by A.
Protein change: p.Glu250Lys; replaces glutamic acid 250 with lysine.
Molecular consequence: missense variant.
Genome position (GRCh38, 1-based): chr6:76,018,777, C>T on the plus strand (G>A on the coding strand, the complement: IMPG1 is on the minus strand). VCF-style: chr6-76018777-C-T. GRCh37 (hg19) VCF-style: chr6-76728494-C-T.
Other names: c.514G>A, p.Glu172Lys (NM_001282368.2); short protein forms E172K, E250K.
Identifiers: ClinVar variation 1389694 (VCV001389694.6), dbSNP rs2149482383, ClinGen allele CA364778835.